The following is an entry in ClinVar:

NM_001364857.2(ADGRB2):c.2965C>T (p.Arg989Trp)

Gene: ADGRB2 (adhesion G protein-coupled receptor B2; minus strand). Cytogenetic location: 1p35.2.
Variant type: single nucleotide variant.
Coding change: c.2965C>T on transcript NM_001364857.2 (MANE Select); coding-DNA position 2965, C replaced by T.
Protein change: p.Arg989Trp; replaces arginine 989 with tryptophan.
Molecular consequence: missense variant.
Genome position (GRCh38, 1-based): chr1:31,737,443, G>A on the plus strand (C>T on the coding strand, the complement: ADGRB2 is on the minus strand). VCF-style: chr1-31737443-G-A. GRCh37 (hg19) VCF-style: chr1-32203044-G-A.
Other names: c.2965C>T, p.Arg989Trp (NM_001294335.2, NM_001294336.2); short protein forms R989W.
Identifiers: ClinVar variation 3638395 (VCV003638395.2).

ClinVar aggregate classification (germline): Uncertain significance (1 of 4 stars; one submission).

gnomAD v4.1: 20 of 1,613,912 alleles (0.0012%); highest among the groups gnomAD compares: East Asian, 0.0067%; no homozygotes.

Submission:

Labcorp Genetics (formerly Invitae), Labcorp
Classification: Uncertain significance. Last evaluated: 2024-05-17. Review status: criteria provided, single submitter. Criteria: Invitae Variant Classification Sherloc (09022015). Collection method: clinical testing. Allele origin: germline.
Comment: This sequence change replaces arginine, which is basic and polar, with tryptophan, which is neutral and slightly polar, at codon 989 of the ADGRB2 protein (p.Arg989Trp). This variant is present in population databases (rs188439503, gnomAD 0.01%). This variant has not been reported in the literature in individuals affected with ADGRB2-related conditions. Experimental studies and prediction algorithms are not available or were not evaluated, and the functional significance of this variant is currently unknown. In summary, the available evidence is currently insufficient to determine the role of this variant in disease. Therefore, it has been classified as a Variant of Uncertain Significance.